The following is an entry in ClinVar:

ClinVar aggregate classification (germline): Likely benign (1 of 4 stars; one submission).

Allele frequency attached by ClinVar (database versions not stated): gnomAD exomes 0.00016; ExAC 0.00059; 1000 Genomes Project 30x 0.00141; 1000 Genomes Project 0.00180; ESP Exome Variant Server 0.00185; gnomAD 0.00186.
gnomAD v4.1: 526 of 1,612,222 alleles (0.033%); highest among the groups gnomAD compares: African/African-American, 0.64%; 3 homozygotes.

Submission:

CeGaT Center for Human Genetics Tuebingen
Classification: Likely benign. Last evaluated: 2022-10-01. Review status: criteria provided, single submitter. Criteria: CeGaT Center For Human Genetics Tuebingen Variant Classification Criteria Version 2. Collection method: clinical testing. Allele origin: germline. Affected: yes. Observed: 1 variant allele.
Comment: EFR3A: BP4, BP7

NM_015137.6(EFR3A):c.2373T>C (p.Ser791=)

Gene: EFR3A (EFR3 homolog A; plus strand). Cytogenetic location: 8q24.22.
Variant type: single nucleotide variant.
Coding change: c.2373T>C on transcript NM_015137.6 (MANE Select); coding-DNA position 2373, T replaced by C.
Protein change: p.Ser791=; no amino-acid change (serine 791 retained).
Molecular consequence: synonymous variant. On other transcripts: non-coding transcript variant (2).
Genome position (GRCh38, 1-based): chr8:132,010,802, T>C. VCF-style: chr8-132010802-T-C. GRCh37 (hg19) VCF-style: chr8-133023049-T-C.
Other names: c.2265T>C, p.Ser755= (NM_001323553.2, NM_001323554.2, NM_001323555.2 and 2 more transcripts); c.2424T>C, p.Ser808= (NM_001323558.2).
Identifiers: ClinVar variation 2658819 (VCV002658819.24), dbSNP rs61739634, ClinGen allele CA4879423.